The following is an entry in ClinVar:

NM_007194.4(CHEK2):c.593-19C>T

Gene: CHEK2 (checkpoint kinase 2; minus strand). Cytogenetic location: 22q12.1.
Variant type: single nucleotide variant.
Coding change: c.593-19C>T on transcript NM_007194.4 (MANE Select); 19 bases into the intron before coding-DNA position 593, C replaced by T.
Molecular consequence: intron variant.
Genome position (GRCh38, 1-based): chr22:28,719,504, G>A on the plus strand (C>T on the coding strand, the complement: CHEK2 is on the minus strand). VCF-style: chr22-28719504-G-A. GRCh37 (hg19) VCF-style: chr22-29115492-G-A.
Other names: c.-71-19C>T (NM_001437942.1, NM_001257387.3); c.482+5382C>T (NM_001349956.3); c.593-19C>T (NM_145862.3); c.686-19C>T (NM_001438295.1, NM_001438293.1); c.722-19C>T (NM_001438294.1, NM_001005735.3).
Identifiers: ClinVar variation 3772870 (VCV003772870.1).
Genomic context (GRCh38, chr22:28,719,504, plus strand): 5'-AAACTGACTGATCATCTACAGTCAGATCAAAAAAGACAAAAACTAAGGAAGAAAAGAGTA[G>A]AAATGGGTTTCATTAATTTATTCACAAGAGGCGATCACTGATTCTAAAATTTATTCATCA-3'

ClinVar aggregate classification (germline): Likely benign (1 of 4 stars; one submission).

Conditions:
Familial cancer of breast. Also called: Hereditary breast cancer; BREAST CANCER, FAMILIAL; hereditary breast carcinoma. Identifiers: Orphanet 227535, MedGen C0346153, MONDO:0016419, OMIM 114480. Disease mechanism: loss of function.

Submission:

Myriad Genetics, Inc.
Classification: Likely benign for Familial cancer of breast. Last evaluated: 2024-10-03. Review status: criteria provided, single submitter. Criteria: Myriad Autosomal Dominant, Autosomal Recessive and X-Linked Classification Criteria (2023). Collection method: clinical testing. Allele origin: unknown.
Comment: This variant is considered likely benign. This variant is intronic and is not expected to impact mRNA splicing.